The following is an entry in ClinVar:

NM_024675.4(PALB2):c.1550_1551del (p.Lys517fs)

Gene: PALB2 (partner and localizer of BRCA2; minus strand). Cytogenetic location: 16p12.2.
Variant type: Deletion.
Coding change: c.1550_1551del on transcript NM_024675.4 (MANE Select); coding-DNA positions 1550 to 1551, 2 bases deleted (AA; older notation c.1550_1551delAA).
Protein change: p.Lys517fs; shifts the reading frame from lysine 517.
Molecular consequence: frameshift variant. On other transcripts: intron variant (3).
Genome position (GRCh38, 1-based): chr16:23,634,995-23,634,996, TT deleted on the plus strand (AA on the coding strand, the reverse complement: PALB2 is on the minus strand); deleting any 2 consecutive bases within chr16:23,634,995-23,634,998 gives the same sequence; the c. name uses the placement nearest the transcript's 3' end. VCF-style (leftmost placement, unchanged base first): chr16-23634994-ATT-A. GRCh37 (hg19) VCF-style: chr16-23646315-ATT-A.
Other names: c.1490_1491del, p.Lys497fs (NM_001407296.1); c.1550_1551del, p.Lys517fs (NM_001407297.1, NM_001407298.1, NM_001407299.1 and 3 more transcripts); c.665_666del, p.Lys222fs (NM_001407304.1, NM_001407305.1, NM_001407306.1 and 5 more transcripts); c.49-5721_49-5720del (NM_001407314.1); c.-104-4527_-104-4526del (NM_001407313.1, NM_001407312.1); short protein forms K222fs, K497fs, K517fs.
Identifiers: ClinVar variation 2674103 (VCV002674103.2), dbSNP rs1597095683, ClinGen allele CA2695197459.

ClinVar aggregate classification (germline): Pathogenic. Review status: criteria provided, multiple submitters, no conflicts (2 of 4 stars). 2 submissions from 2 submitters: Pathogenic (2). Last evaluated 2025-02-24.

Conditions:
Familial cancer of breast. Also called: Hereditary breast cancer; BREAST CANCER, FAMILIAL; hereditary breast carcinoma. Identifiers: Orphanet 227535, MedGen C0346153, MONDO:0016419, OMIM 114480. Disease mechanism: loss of function.

Submissions (2):

Labcorp Genetics (formerly Invitae), Labcorp
Classification: Pathogenic for Familial cancer of breast. Last evaluated: 2025-02-24. Review status: criteria provided, single submitter. Criteria: Invitae Variant Classification Sherloc (09022015). Collection method: clinical testing. Allele origin: germline.
Comment: This sequence change creates a premature translational stop signal (p.Lys517Ilefs*11) in the PALB2 gene. It is expected to result in an absent or disrupted protein product. Loss-of-function variants in PALB2 are known to be pathogenic (PMID: 17200668, 17200671, 17200672, 24136930, 25099575). This variant is not present in population databases (gnomAD no frequency). This variant has not been reported in the literature in individuals affected with PALB2-related conditions. ClinVar contains an entry for this variant (Variation ID: 2674103). For these reasons, this variant has been classified as Pathogenic.

Myriad Genetics, Inc.
Classification: Pathogenic for Familial cancer of breast. Last evaluated: 2023-09-11. Review status: criteria provided, single submitter. Criteria: Myriad Autosomal Dominant, Autosomal Recessive and X-Linked Classification Criteria (2023). Collection method: clinical testing. Allele origin: unknown.
Comment: This variant is considered pathogenic. This variant creates a frameshift predicted to result in premature protein truncation.

Literature cited by the submitters: PubMed 17200668 (cited by Labcorp Genetics (formerly Invitae), Labcorp); PubMed 17200671 (cited by Labcorp Genetics (formerly Invitae), Labcorp); PubMed 17200672 (cited by Labcorp Genetics (formerly Invitae), Labcorp); PubMed 24136930 (cited by Labcorp Genetics (formerly Invitae), Labcorp); PubMed 25099575 (cited by Labcorp Genetics (formerly Invitae), Labcorp).